The following is an entry in ClinVar:

ClinVar aggregate classification (germline): Pathogenic (1 of 4 stars; one submission).

Conditions:
Luscan-Lumish syndrome. Identifiers: Orphanet 597738, MedGen C4085873, MONDO:0014791, OMIM 616831.

Submission:

Labcorp Genetics (formerly Invitae), Labcorp
Classification: Pathogenic for Luscan-Lumish syndrome. Last evaluated: 2024-02-24. Review status: criteria provided, single submitter. Criteria: Invitae Variant Classification Sherloc (09022015). Collection method: clinical testing. Allele origin: germline.
Comment: This sequence change creates a premature translational stop signal (p.Asn1224Lysfs*5) in the SETD2 gene. It is expected to result in an absent or disrupted protein product. Loss-of-function variants in SETD2 are known to be pathogenic (PMID: 24852293, 26084711). This variant is not present in population databases (gnomAD no frequency). This variant has not been reported in the literature in individuals affected with SETD2-related conditions. ClinVar contains an entry for this variant (Variation ID: 958870). For these reasons, this variant has been classified as Pathogenic.

Literature cited by the submitters: PubMed 24852293; PubMed 26084711.

NM_014159.7(SETD2):c.3671dup (p.Asn1224fs)

Gene: SETD2 (SET domain containing 2, histone lysine methyltransferase; minus strand). Cytogenetic location: 3p21.31.
Variant type: Duplication.
Coding change: c.3671dup on transcript NM_014159.7 (MANE Select); coding-DNA position 3671, one base duplicated (A; older notation c.3671dupA).
Protein change: p.Asn1224fs; shifts the reading frame from asparagine 1224.
Molecular consequence: frameshift variant. On other transcripts: non-coding transcript variant (1).
Genome position (GRCh38, 1-based): chr3:47,120,965, T duplicated on the plus strand (A on the coding strand, the reverse complement: SETD2 is on the minus strand); the first of 4 consecutive T bases (chr3:47,120,965-47,120,968); duplicating any one gives the same sequence. VCF-style (leftmost placement, unchanged base first): chr3-47120964-G-GT. GRCh37 (hg19) VCF-style: chr3-47162454-G-GT.
Other names: c.3539dup, p.Asn1180fs (NM_001349370.3); short protein forms N1180fs, N1224fs.
Identifiers: ClinVar variation 958870 (VCV000958870.6), dbSNP rs2043056964, ClinGen allele CA1139658034.